The following is an entry in ClinVar:

ClinVar aggregate classification (germline): Uncertain significance. Review status: criteria provided, multiple submitters, no conflicts (2 of 4 stars). 6 submissions from 6 submitters: Uncertain significance (6). Last evaluated 2025-10-14.

Conditions:
Autosomal recessive optic atrophy, OPA7 type. Also called: OPTIC ATROPHY 7 WITH OR WITHOUT AUDITORY NEUROPATHY. Identifiers: Orphanet 227976, Orphanet 98676, MedGen C2751812, MONDO:0013069, OMIM 612989.

Allele frequency attached by ClinVar (database versions not stated): TOPMed 0.00009; gnomAD 0.00011; gnomAD exomes 0.00012 and 0.00021; 1000 Genomes Project 30x 0.00016; ExAC 0.00016; 1000 Genomes Project 0.00020; ESP Exome Variant Server 0.00023.
gnomAD v4.1: 316 of 1,614,118 alleles (0.02%); highest among the groups gnomAD compares: Non-Finnish European, 0.023%; no homozygotes.

Submissions (7):

Labcorp Genetics (formerly Invitae), Labcorp
Classification: Uncertain significance. Last evaluated: 2025-10-14. Review status: criteria provided, single submitter. Criteria: Invitae Variant Classification Sherloc (09022015). Collection method: clinical testing. Allele origin: germline.
Comment: This sequence change replaces arginine, which is basic and polar, with serine, which is neutral and polar, at codon 29 of the TMEM126A protein (p.Arg29Ser). This variant is present in population databases (rs142717432, gnomAD 0.1%). This variant has not been reported in the literature in individuals affected with TMEM126A-related conditions. ClinVar contains an entry for this variant (Variation ID: 196566). An algorithm developed to predict the effect of missense changes on protein structure and function (PolyPhen-2) suggests that this variant is likely to be disruptive. Algorithms developed to predict the effect of sequence changes on RNA splicing suggest that this variant may disrupt the consensus splice site. In summary, the available evidence is currently insufficient to determine the role of this variant in disease. Therefore, it has been classified as a Variant of Uncertain Significance.

Blueprint Genetics
Classification: Uncertain significance. Last evaluated: 2024-10-24. Review status: criteria provided, single submitter. Criteria: ACMG Guidelines, 2015. Collection method: clinical testing. Allele origin: germline.

CeGaT Center for Human Genetics Tuebingen
Classification: Uncertain significance. Last evaluated: 2024-06-01. Review status: criteria provided, single submitter. Criteria: CeGaT Center For Human Genetics Tuebingen Variant Classification Criteria Version 2. Collection method: clinical testing. Allele origin: germline. Affected: yes. Observed: 1 variant allele.
Comment: TMEM126A: PM2, BP4

Illumina Laboratory Services, Illumina
Classification: Uncertain significance for Autosomal recessive optic atrophy, OPA7 type. Last evaluated: 2018-01-12. Review status: criteria provided, single submitter. Criteria: ICSL Variant Classification Criteria 13 December 2019. Collection method: clinical testing. Allele origin: germline.

Eurofins Ntd Llc (ga)
Classification: Uncertain significance. Last evaluated: 2014-10-23. Review status: criteria provided, single submitter. Criteria: EGL Classification Definitions 2015. Collection method: clinical testing. Allele origin: germline. Observed: 1 variant allele, 1 heterozygote.

GeneDx
Classification: Uncertain significance. Last evaluated: 2013-12-23. Review status: criteria provided, single submitter. Criteria: GeneDx Variant Classification (06012015). Collection method: clinical testing. Allele origin: germline. Affected: yes.
Comment: p.Arg29Ser (AGG>AGC): c.87 G>C in exon 3 of the TMEM126A gene (NM_032273.3) A variant of unknown significance has been identified in the TMEM126A gene. The R29S missense substitution has not been published as a mutation, nor has it been reported as a benign polymorphism to our knowledge. TMEM126A gene are associated with the autosomal recessive disorder optic atrophy 7. The amino acid change is non-conservative in that a large, positively charged Arginine residue is replaced by a small, uncharged Serine residue. This change occurs at a position in the TMEM126A protein that is conserved in mammals. Multiple in-silico analysis programs predict that R29S is a benign sequence change. Therefore, based on the currently available information, it is unclear whether R29S is a disease-causing mutation or a rare benign variant. The variant is found in MITONUC-MITOP panel(s).

Dr. Peter K. Rogan Lab, Western University
No classification provided (evidence only). Condition: Melanoma. Review status: no classification provided. Collection method: in vitro. Allele origin: not applicable. Functional consequence: skipped exon, retained intron. Not counted in ClinVar's aggregate classification.

NM_032273.4(TMEM126A):c.87G>C (p.Arg29Ser)

Gene: TMEM126A (transmembrane protein 126A; plus strand). Cytogenetic location: 11q14.1.
Variant type: single nucleotide variant.
Coding change: c.87G>C on transcript NM_032273.4 (MANE Select); coding-DNA position 87, G replaced by C.
Protein change: p.Arg29Ser; replaces arginine 29 with serine.
Molecular consequence: missense variant. On other transcripts: 5 prime UTR variant (1).
Genome position (GRCh38, 1-based): chr11:85,654,063, G>C. VCF-style: chr11-85654063-G-C. GRCh37 (hg19) VCF-style: chr11-85365107-G-C.
Other names: c.-124G>C (NM_001244735.2); short protein forms R29S.
Identifiers: ClinVar variation 196566 (VCV000196566.35), dbSNP rs142717432, ClinGen allele CA243562.